The following is an entry in ClinVar:

ClinVar aggregate classification (germline): Uncertain significance (1 of 4 stars; one submission).

gnomAD v4.1: 1,356 of 1,608,120 alleles (0.084%); highest among the groups gnomAD compares: Non-Finnish European, 0.11%; 3 homozygotes.

Submission:

Labcorp Genetics (formerly Invitae), Labcorp
Classification: Uncertain significance. Last evaluated: 2025-10-18. Review status: criteria provided, single submitter. Criteria: Invitae Variant Classification Sherloc (09022015). Collection method: clinical testing. Allele origin: germline.
Comment: This sequence change replaces alanine, which is neutral and non-polar, with threonine, which is neutral and polar, at codon 221 of the TMCO1 protein (p.Ala221Thr). This variant is present in population databases (rs150796970, gnomAD 0.09%), including at least one homozygous and/or hemizygous individual. This variant has not been reported in the literature in individuals affected with TMCO1-related conditions. An algorithm developed to predict the effect of missense changes on protein structure and function (PolyPhen-2) suggests that this variant is likely to be disruptive. In summary, the available evidence is currently insufficient to determine the role of this variant in disease. Therefore, it has been classified as a Variant of Uncertain Significance.

NM_019026.6(TMCO1):c.508G>A (p.Ala170Thr)

Gene: TMCO1 (transmembrane and coiled-coil domains 1; minus strand). Cytogenetic location: 1q24.1.
Variant type: single nucleotide variant.
Coding change: c.508G>A on transcript NM_019026.6 (MANE Select); coding-DNA position 508, G replaced by A.
Protein change: p.Ala170Thr; replaces alanine 170 with threonine.
Molecular consequence: missense variant. On other transcripts: non-coding transcript variant (1).
Genome position (GRCh38, 1-based): chr1:165,728,082, C>T on the plus strand (G>A on the coding strand, the complement: TMCO1 is on the minus strand). VCF-style: chr1-165728082-C-T. GRCh37 (hg19) VCF-style: chr1-165697319-C-T.
Other names: c.559G>A, p.Ala187Thr (NM_001256164.1); c.472G>A, p.Ala158Thr (NM_001256165.1); short protein forms A158T, A170T, A187T.
Identifiers: ClinVar variation 4807543 (VCV004807543.1).
Genomic context (GRCh38, chr1:165,728,082, plus strand): 5'-TTCAAGAGAACTTCCCAGAAGGAGGTGGTGGGCCAAGAAATCCACCTGCCTGCTTGGTGG[C>T]GGCTCGTGAAGGGGCAAGGCCGAGAATCTTCTGAATGTTCTGTGAAGAAAGCACAGTAAG-3'
Protein context (NP_061899.3, residues 160-180): KILGLAPSRA[Ala170Thr]TKQAGGFLGP